The following is an entry in ClinVar:

ClinVar aggregate classification (germline): Uncertain significance (1 of 4 stars; one submission).

Allele frequency attached by ClinVar (database versions not stated): TOPMed below 0.00001.

Submission:

Labcorp Genetics (formerly Invitae), Labcorp
Classification: Uncertain significance. Last evaluated: 2024-02-17. Review status: criteria provided, single submitter. Criteria: Invitae Variant Classification Sherloc (09022015). Collection method: clinical testing. Allele origin: germline.
Comment: This sequence change replaces lysine, which is basic and polar, with arginine, which is basic and polar, at codon 893 of the DIAPH3 protein (p.Lys893Arg). This variant is not present in population databases (gnomAD no frequency). This variant has not been reported in the literature in individuals affected with DIAPH3-related conditions. ClinVar contains an entry for this variant (Variation ID: 1384432). An algorithm developed to predict the effect of missense changes on protein structure and function (PolyPhen-2) suggests that this variant is likely to be disruptive. In summary, the available evidence is currently insufficient to determine the role of this variant in disease. Therefore, it has been classified as a Variant of Uncertain Significance.

NM_001042517.2(DIAPH3):c.2678A>G (p.Lys893Arg)

Gene: DIAPH3 (diaphanous related formin 3; minus strand). Cytogenetic location: 13q21.2.
Variant type: single nucleotide variant.
Coding change: c.2678A>G on transcript NM_001042517.2 (MANE Select); coding-DNA position 2678, A replaced by G.
Protein change: p.Lys893Arg; replaces lysine 893 with arginine.
Molecular consequence: missense variant.
Genome position (GRCh38, 1-based): chr13:59,861,466, T>C on the plus strand (A>G on the coding strand, the complement: DIAPH3 is on the minus strand). VCF-style: chr13-59861466-T-C. GRCh37 (hg19) VCF-style: chr13-60435600-T-C.
Other names: c.2645A>G, p.Lys882Arg (NM_001258366.2); c.2540A>G, p.Lys847Arg (NM_001258367.2); c.2468A>G, p.Lys823Arg (NM_001258368.2); c.2678A>G, p.Lys893Arg (NM_001258369.2); c.1889A>G, p.Lys630Arg (NM_001258370.2, NM_030932.4); short protein forms K823R, K882R, K630R, K847R, K893R.
Identifiers: ClinVar variation 1384432 (VCV001384432.8), dbSNP rs2043582387, ClinGen allele CA388329757.